The following is an entry in ClinVar:

ClinVar aggregate classification (germline): Uncertain significance (1 of 4 stars; one submission).

Conditions:
Familial cold autoinflammatory syndrome 2 (FCAS2). Identifiers: Orphanet 247868, MedGen C2673198, MONDO:0012724, OMIM 611762.

gnomAD v4.1: 1 of 1,613,964 alleles (0.000062%); highest among the groups gnomAD compares: Non-Finnish European, 0.000085%; no homozygotes.

Submission:

Labcorp Genetics (formerly Invitae), Labcorp
Classification: Uncertain significance for Familial cold autoinflammatory syndrome 2. Last evaluated: 2026-01-07. Review status: criteria provided, single submitter. Criteria: Invitae Variant Classification Sherloc (09022015). Collection method: clinical testing. Allele origin: germline.
Comment: This sequence change replaces serine, which is neutral and polar, with arginine, which is basic and polar, at codon 258 of the NLRP12 protein (p.Ser258Arg). This variant is not present in population databases (gnomAD no frequency). This variant has not been reported in the literature in individuals affected with NLRP12-related conditions. An algorithm developed to predict the effect of missense changes on protein structure and function (PolyPhen-2) suggests that this variant is likely to be tolerated. In summary, the available evidence is currently insufficient to determine the role of this variant in disease. Therefore, it has been classified as a Variant of Uncertain Significance.

NM_144687.4(NLRP12):c.774T>G (p.Ser258Arg)

Gene: NLRP12 (NLR family pyrin domain containing 12; minus strand). Cytogenetic location: 19q13.42.
Variant type: single nucleotide variant.
Coding change: c.774T>G on transcript NM_144687.4 (MANE Select); coding-DNA position 774, T replaced by G.
Protein change: p.Ser258Arg; replaces serine 258 with arginine.
Molecular consequence: missense variant.
Genome position (GRCh38, 1-based): chr19:53,810,885, A>C on the plus strand (T>G on the coding strand, the complement: NLRP12 is on the minus strand). VCF-style: chr19-53810885-A-C. GRCh37 (hg19) VCF-style: chr19-54314139-A-C.
Other names: c.774T>G, p.Ser258Arg (NM_001277126.2, NM_001277129.1); short protein forms S258R.
Identifiers: ClinVar variation 4805510 (VCV004805510.1).